The following is an entry in ClinVar:

NM_001267550.2(TTN):c.102565G>C (p.Asp34189His)

Genes: TTN (titin; minus strand), TTN-AS1 (TTN antisense RNA 1; plus strand). Cytogenetic location: 2q31.2.
Variant type: single nucleotide variant.
Coding change: c.102565G>C on transcript NM_001267550.2 (MANE Select); coding-DNA position 102565, G replaced by C.
Protein change: p.Asp34189His; replaces aspartic acid 34189 with histidine.
Molecular consequence: missense variant.
Genome position (GRCh38, 1-based): chr2:178,534,050, C>G on the plus strand (G>C on the coding strand, the complement: TTN is on the minus strand). VCF-style: chr2-178534050-C-G. GRCh37 (hg19) VCF-style: chr2-179398777-C-G.
Other names: c.94861G>C, p.Asp31621His (NM_133378.4); c.75745G>C, p.Asp25249His (NM_133432.3); c.75946G>C, p.Asp25316His (NM_133437.4); c.97642G>C, p.Asp32548His (NM_001256850.1); c.75370G>C, p.Asp25124His (NM_003319.4); short protein forms D25124H, D25249H, D25316H, D31621H, D32548H, D34189H.
Identifiers: ClinVar variation 1310183 (VCV001310183.2), dbSNP rs1690357209, ClinGen allele CA349417252.

ClinVar aggregate classification (germline): Uncertain significance (1 of 4 stars; one submission).

Submission:

GeneDx
Classification: Uncertain significance. Last evaluated: 2019-11-14. Review status: criteria provided, single submitter. Criteria: GeneDx Variant Classification Process June 2021. Collection method: clinical testing. Allele origin: germline. Affected: yes.
Comment: Not observed [at a significant frequency] in large population cohorts (Lek et al., 2016); Missense variant in a gene in which most reported pathogenic variants are truncating/loss-of-function; Has not been previously published as pathogenic or benign to our knowledge; In silico analysis, which includes protein predictors and evolutionary conservation, supports that this variant does not alter protein structure/function